The following is an entry in ClinVar:

NM_000083.3(CLCN1):c.2800C>T (p.Pro934Ser)

Gene: CLCN1 (chloride voltage-gated channel 1; plus strand). Cytogenetic location: 7q34.
Variant type: single nucleotide variant.
Coding change: c.2800C>T on transcript NM_000083.3 (MANE Select); coding-DNA position 2800, C replaced by T.
Protein change: p.Pro934Ser; replaces proline 934 with serine.
Molecular consequence: missense variant. On other transcripts: non-coding transcript variant (1).
Genome position (GRCh38, 1-based): chr7:143,351,798, C>T. VCF-style: chr7-143351798-C-T. GRCh37 (hg19) VCF-style: chr7-143048891-C-T.
Other names: short protein forms P934S.
Identifiers: ClinVar variation 1473881 (VCV001473881.6), dbSNP rs1168501752, ClinGen allele CA369653835.

ClinVar aggregate classification (germline): Uncertain significance. Review status: criteria provided, multiple submitters, no conflicts (2 of 4 stars). 2 submissions from 2 submitters: Uncertain significance (2). Last evaluated 2025-04-08.

Conditions:
Congenital myotonia, autosomal recessive form. Also called: Becker Generalized Myotonia; BECKER DISEASE; myotonia congenita, autosomal recessive. Identifiers: Orphanet 614, MedGen C0751360, MONDO:0009715, OMIM 255700.
Congenital myotonia, autosomal dominant form (THD). Also called: THOMSEN DISEASE; Myotonia congenita autosomal dominant. Identifiers: Orphanet 614, MedGen C2936781, MONDO:0008055, OMIM 160800.

Allele frequency attached by ClinVar (database versions not stated): gnomAD exomes below 0.00001 and 0.00001.
gnomAD v4.1: 2 of 1,614,168 alleles (0.00012%); highest among the groups gnomAD compares: Admixed American, 0.0017%; no homozygotes.

Submissions (2):

Labcorp Genetics (formerly Invitae), Labcorp
Classification: Uncertain significance for Congenital myotonia, autosomal recessive form; Congenital myotonia, autosomal dominant form. Last evaluated: 2025-04-08. Review status: criteria provided, single submitter. Criteria: Invitae Variant Classification Sherloc (09022015). Collection method: clinical testing. Allele origin: germline.
Comment: This sequence change replaces proline, which is neutral and non-polar, with serine, which is neutral and polar, at codon 934 of the CLCN1 protein (p.Pro934Ser). This variant is present in population databases (no rsID available, gnomAD 0.003%). This variant has not been reported in the literature in individuals affected with CLCN1-related conditions. ClinVar contains an entry for this variant (Variation ID: 1473881). Invitae Evidence Modeling of protein sequence and biophysical properties (such as structural, functional, and spatial information, amino acid conservation, physicochemical variation, residue mobility, and thermodynamic stability) indicates that this missense variant is not expected to disrupt CLCN1 protein function with a negative predictive value of 95%. In summary, the available evidence is currently insufficient to determine the role of this variant in disease. Therefore, it has been classified as a Variant of Uncertain Significance.

Revvity Omics, Revvity
Classification: Uncertain significance. Last evaluated: 2023-01-23. Review status: criteria provided, single submitter. Criteria: ACMG Guidelines, 2015. Collection method: clinical testing. Allele origin: germline.